The following is an entry in ClinVar:

ClinVar aggregate classification (germline): Uncertain significance. Review status: criteria provided, multiple submitters, no conflicts (2 of 4 stars). 2 submissions from 2 submitters: Uncertain significance (2). Last evaluated 2023-10-14.

Allele frequency attached by ClinVar (database versions not stated): gnomAD exomes below 0.00001 and 0.00001; gnomAD 0.00001; ExAC 0.00002; TOPMed 0.00002; ESP Exome Variant Server 0.00008.
gnomAD v4.1: 7 of 1,614,052 alleles (0.00043%); highest among the groups gnomAD compares: African/African-American, 0.0013%; no homozygotes.

Submissions (2):

Labcorp Genetics (formerly Invitae), Labcorp
Classification: Uncertain significance. Last evaluated: 2023-10-14. Review status: criteria provided, single submitter. Criteria: Invitae Variant Classification Sherloc (09022015). Collection method: clinical testing. Allele origin: germline.
Comment: This sequence change replaces alanine, which is neutral and non-polar, with valine, which is neutral and non-polar, at codon 140 of the ARL3 protein (p.Ala140Val). This variant is present in population databases (rs368868984, gnomAD 0.007%). This missense change has been observed in individual(s) with clinical features of retinitis pigmentosa (Invitae). ClinVar contains an entry for this variant (Variation ID: 940474). An algorithm developed to predict the effect of missense changes on protein structure and function (PolyPhen-2) suggests that this variant is likely to be tolerated. In summary, the available evidence is currently insufficient to determine the role of this variant in disease. Therefore, it has been classified as a Variant of Uncertain Significance.

Blueprint Genetics
Classification: Uncertain significance. Last evaluated: 2020-07-07. Review status: criteria provided, single submitter. Criteria: ACMG Guidelines, 2015. Collection method: clinical testing. Allele origin: germline.

NM_004311.4(ARL3):c.419C>T (p.Ala140Val)

Gene: ARL3 (ARF like GTPase 3; minus strand). Cytogenetic location: 10q24.32.
Variant type: single nucleotide variant.
Coding change: c.419C>T on transcript NM_004311.4 (MANE Select); coding-DNA position 419, C replaced by T.
Protein change: p.Ala140Val; replaces alanine 140 with valine.
Molecular consequence: missense variant.
Genome position (GRCh38, 1-based): chr10:102,685,898, G>A on the plus strand (C>T on the coding strand, the complement: ARL3 is on the minus strand). VCF-style: chr10-102685898-G-A. GRCh37 (hg19) VCF-style: chr10-104445655-G-A.
Other names: short protein forms A140V.
Identifiers: ClinVar variation 940474 (VCV000940474.10), dbSNP rs368868984, ClinGen allele CA5668432.